The following is an entry in ClinVar:

ClinVar aggregate classification (germline): Uncertain significance (1 of 4 stars; one submission).

gnomAD v4.1: 1 of 1,613,020 alleles (0.000062%); highest among the groups gnomAD compares: Admixed American, 0.0017%; no homozygotes.

Submission:

Labcorp Genetics (formerly Invitae), Labcorp
Classification: Uncertain significance. Last evaluated: 2021-12-04. Review status: criteria provided, single submitter. Criteria: Invitae Variant Classification Sherloc (09022015). Collection method: clinical testing. Allele origin: germline.
Comment: This sequence change replaces alanine, which is neutral and non-polar, with valine, which is neutral and non-polar, at codon 32 of the PPP1CB protein (p.Ala32Val). This variant is not present in population databases (gnomAD no frequency). This variant has not been reported in the literature in individuals affected with PPP1CB-related conditions. Algorithms developed to predict the effect of missense changes on protein structure and function (SIFT, PolyPhen-2, Align-GVGD) all suggest that this variant is likely to be tolerated. In summary, the available evidence is currently insufficient to determine the role of this variant in disease. Therefore, it has been classified as a Variant of Uncertain Significance.

NM_002709.3(PPP1CB):c.95C>T (p.Ala32Val)

Gene: PPP1CB (protein phosphatase 1 catalytic subunit beta; plus strand). Cytogenetic location: 2p23.2.
Variant type: single nucleotide variant.
Coding change: c.95C>T on transcript NM_002709.3 (MANE Select); coding-DNA position 95, C replaced by T.
Protein change: p.Ala32Val; replaces alanine 32 with valine.
Molecular consequence: missense variant.
Genome position (GRCh38, 1-based): chr2:28,776,893, C>T. VCF-style: chr2-28776893-C-T. GRCh37 (hg19) VCF-style: chr2-28999759-C-T.
Other names: c.95C>T, p.Ala32Val (NM_206876.2); short protein forms A32V.
Identifiers: ClinVar variation 1522087 (VCV001522087.6), dbSNP rs2148048861, ClinGen allele CA346580786.
Genomic context (GRCh38, chr2:28,776,893, plus strand): 5'-TTATTTATCGTTTGTCAGTACGAGGATGTCGTCCAGGAAAGATTGTGCAGATGACTGAAG[C>T]AGAAGTTCGAGGCTTATGTATCAAGTCTCGGGAGATCTTTCTCAGCCAGCCTATTCTTTT-3'
Protein context (NP_002700.1, residues 22-42): RPGKIVQMTE[Ala32Val]EVRGLCIKSR